The following is an entry in ClinVar:

NM_005476.7(GNE):c.2095T>A (p.Ser699Thr)

Gene: GNE (glucosamine (UDP-N-acetyl)-2-epimerase/N-acetylmannosamine kinase; minus strand). Cytogenetic location: 9p13.3.
Variant type: single nucleotide variant.
Coding change: c.2095T>A on transcript NM_005476.7 (MANE Select); coding-DNA position 2095, T replaced by A.
Protein change: p.Ser699Thr; replaces serine 699 with threonine.
Molecular consequence: missense variant.
Genome position (GRCh38, 1-based): chr9:36,217,439, A>T on the plus strand (T>A on the coding strand, the complement: GNE is on the minus strand). VCF-style: chr9-36217439-A-T. GRCh37 (hg19) VCF-style: chr9-36217436-A-T.
Other names: c.2188T>A, p.Ser730Thr (NM_001128227.3); c.1873T>A, p.Ser625Thr (NM_001190383.3); c.1765T>A, p.Ser589Thr (NM_001190384.3); c.1918T>A, p.Ser640Thr (NM_001190388.2, NM_001374798.1); c.1942T>A, p.Ser648Thr (NM_001374797.1); short protein forms S640T, S699T, S730T, S589T, S625T, S648T.
Identifiers: ClinVar variation 941587 (VCV000941587.10), dbSNP rs1828371895, ClinGen allele CA373424348.
Genomic context (GRCh38, chr9:36,217,439, plus strand): 5'-GTGTTGTGTAGTCCAGAACCATGCTGGCAGCACCCAGCAGGGCGGGGTCAACCAAATCCG[A>T]AACCACCACATCCACGTCCTGCACGGAGGACAAGGCCTGCTGGCGAATGACGTCTTTGAC-3'
Protein context (NP_005467.1, residues 689-709): SSVQDVDVVV[Ser699Thr]DLVDPALLGA

ClinVar aggregate classification (germline): Uncertain significance. Review status: criteria provided, single submitter (1 of 4 stars). 2 submissions from 2 submitters: Uncertain significance (1). 1 of the submissions does not count toward it. Last evaluated 2024-04-22.

Conditions:
GNE myopathy (NM). Also called: MYOPATHY, DISTAL, WITH OR WITHOUT RIMMED VACUOLES; IBM 2; Inclusion body myopathy autosomal recessive; Inclusion body myopathy quadriceps sparing; NONAKA DISTAL MYOPATHY; INCLUSION BODY MYOPATHY, HEREDITARY, AUTOSOMAL RECESSIVE. Identifiers: Orphanet 602, MedGen C1853926, MONDO:0011603, OMIM 605820.
Sialuria. Also called: SIALURIA, FRENCH TYPE; Sialic Acid Storage Disease. Identifiers: Orphanet 3166, MedGen C0342853, MONDO:0010028, OMIM 269921.

Allele frequency attached by ClinVar (database versions not stated): TOPMed below 0.00001.

Submissions (2):

Labcorp Genetics (formerly Invitae), Labcorp
Classification: Uncertain significance for Sialuria; GNE myopathy. Last evaluated: 2024-04-22. Review status: criteria provided, single submitter. Criteria: Invitae Variant Classification Sherloc (09022015). Collection method: clinical testing. Allele origin: germline.
Comment: This sequence change replaces serine, which is neutral and polar, with threonine, which is neutral and polar, at codon 730 of the GNE protein (p.Ser730Thr). This variant is not present in population databases (gnomAD no frequency). This variant has not been reported in the literature in individuals affected with GNE-related conditions. ClinVar contains an entry for this variant (Variation ID: 941587). Advanced modeling of protein sequence and biophysical properties (such as structural, functional, and spatial information, amino acid conservation, physicochemical variation, residue mobility, and thermodynamic stability) has been performed at Invitae for this missense variant, however the output from this modeling did not meet the statistical confidence thresholds required to predict the impact of this variant on GNE protein function. This variant disrupts the p.Ser730 amino acid residue in GNE. Other variant(s) that disrupt this residue have been determined to be pathogenic (PMID: 23437777, 33250842). This suggests that this residue is clinically significant, and that variants that disrupt this residue are likely to be disease-causing. In summary, the available evidence is currently insufficient to determine the role of this variant in disease. Therefore, it has been classified as a Variant of Uncertain Significance.

Natera, Inc.
Classification: Uncertain significance for Nonaka myopathy. Last evaluated: 2021-08-14. Review status: no assertion criteria provided. Collection method: clinical testing. Allele origin: germline. Not counted in ClinVar's aggregate classification.

Literature cited by the submitters: PubMed 23437777 (cited by Labcorp Genetics (formerly Invitae), Labcorp); PubMed 33250842 (cited by Labcorp Genetics (formerly Invitae), Labcorp).